The following is an entry in ClinVar:

NM_001378454.1(ALMS1):c.8902C>G (p.Gln2968Glu)

Gene: ALMS1 (ALMS1 centrosome and basal body associated protein; plus strand). Cytogenetic location: 2p13.1.
Variant type: single nucleotide variant.
Coding change: c.8902C>G on transcript NM_001378454.1 (MANE Select); coding-DNA position 8902, C replaced by G.
Protein change: p.Gln2968Glu; replaces glutamine 2968 with glutamic acid.
Molecular consequence: missense variant.
Genome position (GRCh38, 1-based): chr2:73,490,861, C>G. VCF-style: chr2-73490861-C-G. GRCh37 (hg19) VCF-style: chr2-73717988-C-G.
Other names: c.8905C>G, p.Gln2969Glu (NM_015120.4); short protein forms Q2968E, Q2969E.
Identifiers: ClinVar variation 1491636 (VCV001491636.6), dbSNP rs758433515, ClinGen allele CA50379639.

ClinVar aggregate classification (germline): Uncertain significance. Review status: criteria provided, multiple submitters, no conflicts (2 of 4 stars). 3 submissions from 3 submitters: Uncertain significance (3). Last evaluated 2024-10-25.

Conditions:
Cardiovascular phenotype. Identifiers: MedGen CN230736.
Alstrom syndrome (ALMS). Identifiers: Orphanet 64, MedGen C0268425, MONDO:0008763, OMIM 203800.

gnomAD v4.1: 6 of 1,614,108 alleles (0.00037%); highest among the groups gnomAD compares: Non-Finnish European, 0.00051%; no homozygotes.

Submissions (3):

GeneDx
Classification: Uncertain significance. Last evaluated: 2024-10-25. Review status: criteria provided, single submitter. Criteria: GeneDx Variant Classification Process June 2021. Collection method: clinical testing. Allele origin: germline. Affected: yes.
Comment: Not observed at significant frequency in large population cohorts (gnomAD); In silico analysis supports that this missense variant has a deleterious effect on protein structure/function; Has not been previously published as pathogenic or benign to our knowledge

Labcorp Genetics (formerly Invitae), Labcorp
Classification: Uncertain significance for Alstrom syndrome. Last evaluated: 2022-07-12. Review status: criteria provided, single submitter. Criteria: Invitae Variant Classification Sherloc (09022015). Collection method: clinical testing. Allele origin: germline.
Comment: This sequence change replaces glutamine, which is neutral and polar, with glutamic acid, which is acidic and polar, at codon 2969 of the ALMS1 protein (p.Gln2969Glu). This variant is present in population databases (no rsID available, gnomAD 0.0009%). This variant has not been reported in the literature in individuals affected with ALMS1-related conditions. ClinVar contains an entry for this variant (Variation ID: 1491636). Experimental studies and prediction algorithms are not available or were not evaluated, and the functional significance of this variant is currently unknown. In summary, the available evidence is currently insufficient to determine the role of this variant in disease. Therefore, it has been classified as a Variant of Uncertain Significance.

Ambry Genetics
Classification: Uncertain significance for Cardiovascular phenotype. Last evaluated: 2020-08-03. Review status: criteria provided, single submitter. Criteria: Ambry Variant Classification Scheme 2023. Collection method: clinical testing. Allele origin: germline.
Comment: The p.Q2969E variant (also known as c.8905C>G), located in coding exon 10 of the ALMS1 gene, results from a C to G substitution at nucleotide position 8905. The glutamine at codon 2969 is replaced by glutamic acid, an amino acid with highly similar properties. This amino acid position is highly conserved in available vertebrate species. In addition, this alteration is predicted to be tolerated by in silico analysis. Since supporting evidence is limited at this time, the clinical significance of this alteration remains unclear.